The following is an entry in ClinVar:

ClinVar aggregate classification (germline): Uncertain significance (1 of 4 stars; one submission).

Allele frequency attached by ClinVar (database versions not stated): TOPMed below 0.00001.

Submission:

GeneDx
Classification: Uncertain significance. Last evaluated: 2023-04-20. Review status: criteria provided, single submitter. Criteria: GeneDx Variant Classification Process June 2021. Collection method: clinical testing. Allele origin: germline. Affected: yes.
Comment: Not observed at significant frequency in large population cohorts (gnomAD); In silico analysis supports that this missense variant does not alter protein structure/function; Has not been previously published as pathogenic or benign to our knowledge

NM_001830.4(CLCN4):c.1312G>A (p.Val438Ile)

Gene: CLCN4 (chloride voltage-gated channel 4; plus strand). Cytogenetic location: Xp22.2.
Variant type: single nucleotide variant.
Coding change: c.1312G>A on transcript NM_001830.4 (MANE Select); coding-DNA position 1312, G replaced by A.
Protein change: p.Val438Ile; replaces valine 438 with isoleucine.
Molecular consequence: missense variant.
Genome position (GRCh38, 1-based): chrX:10,208,513, G>A. VCF-style: chrX-10208513-G-A. GRCh37 (hg19) VCF-style: chrX-10176553-G-A.
Other names: c.1030G>A, p.Val344Ile (NM_001256944.2); short protein forms V344I, V438I.
Identifiers: ClinVar variation 3253378 (VCV003253378.1), dbSNP rs1924454938.